The following is an entry in ClinVar:

ClinVar aggregate classification (germline): Likely benign (0 of 4 stars; one submission).

Conditions:
HNRNPUL2-related disorder. Also called: HNRNPUL2-related condition.

Allele frequency attached by ClinVar (database versions not stated): gnomAD exomes 0.00004; gnomAD 0.00009; TOPMed 0.00011; ExAC 0.00023; 1000 Genomes Project 0.00060; 1000 Genomes Project 30x 0.00062.
gnomAD v4.1: 81 of 1,612,642 alleles (0.005%); highest among the groups gnomAD compares: East Asian, 0.16%; no homozygotes.

Submission:

PreventionGenetics, part of Exact Sciences
Classification: Likely benign for HNRNPUL2-related condition. Last evaluated: 2020-10-19. Review status: no assertion criteria provided. Collection method: clinical testing. Allele origin: germline.
Comment: This variant is classified as likely benign based on ACMG/AMP sequence variant interpretation guidelines (Richards et al. 2015 PMID: 25741868, with internal and published modifications).

NM_001079559.3(HNRNPUL2):c.1359+10A>G

Genes: HNRNPUL2 (heterogeneous nuclear ribonucleoprotein U like 2; minus strand), HNRNPUL2-BSCL2 (HNRNPUL2-BSCL2 readthrough (NMD candidate); minus strand). Cytogenetic location: 11q12.3.
Variant type: single nucleotide variant.
Coding change: c.1359+10A>G on transcript NM_001079559.3 (MANE Select); 10 bases into the intron after coding-DNA position 1359, A replaced by G.
Molecular consequence: intron variant.
Genome position (GRCh38, 1-based): chr11:62,722,107, T>C on the plus strand (A>G on the coding strand, the complement: HNRNPUL2 is on the minus strand). VCF-style: chr11-62722107-T-C. GRCh37 (hg19) VCF-style: chr11-62489579-T-C.
Identifiers: ClinVar variation 3056946 (VCV003056946.2), dbSNP rs143617458, ClinGen allele CA6054090.